The following is an entry in ClinVar:

NM_000520.6(HEXA):c.1121A>G (p.Gln374Arg)

Gene: HEXA (hexosaminidase subunit alpha; minus strand). Cytogenetic location: 15q23.
Variant type: single nucleotide variant.
Coding change: c.1121A>G on transcript NM_000520.6 (MANE Select); coding-DNA position 1121, A replaced by G.
Protein change: p.Gln374Arg; replaces glutamine 374 with arginine.
Molecular consequence: missense variant.
Genome position (GRCh38, 1-based): chr15:72,347,711, T>C on the plus strand (A>G on the coding strand, the complement: HEXA is on the minus strand). VCF-style: chr15-72347711-T-C. GRCh37 (hg19) VCF-style: chr15-72640052-T-C.
Other names: c.1154A>G, p.Gln385Arg (NM_001318825.2); short protein forms Q374R, Q385R.
Identifiers: ClinVar variation 2585252 (VCV002585252.1), dbSNP rs1057519464, ClinGen allele CA393061688.

ClinVar aggregate classification (germline): Uncertain significance (1 of 4 stars; one submission).

Conditions:
Tay-Sachs disease (TSD). Also called: HEXA DEFICIENCY; HEXA Disorders; GM2 gangliosidosis, type 1; Hexosaminidase alpha-subunit deficiency (variant B); Sphingolipidosis, Tay-Sachs; Hexosaminidase A Deficiency. Identifiers: Orphanet 845, MedGen C0039373, MONDO:0010100, OMIM 272800.

Allele frequency attached by ClinVar (database versions not stated): gnomAD exomes below 0.00001.
gnomAD v4.1: 3 of 1,614,196 alleles (0.00019%); highest among the groups gnomAD compares: Middle Eastern, 0.016%; no homozygotes.

Submission:

Neuberg Centre For Genomic Medicine, NCGM
Classification: Uncertain significance for Tay-Sachs disease. Review status: criteria provided, single submitter. Criteria: ACMG Guidelines, 2015. Collection method: clinical testing. Allele origin: germline. Inheritance: Autosomal recessive inheritance. Affected: yes.
Comment: The missense variant c.1154A>G (p.Gln385Arg) in HEXA gene has not been reported previously as a pathogenic variant nor as a benign variant, to our knowledge. This variant is reported with the allele frequency (0.0004%) in the gnomAD and novel in 1000 genome database. The amino acid Glutamine at position 385 is changed to a Arginine changing protein sequence and it might alter its composition and physico-chemical properties. The variant is predicted to be damaging by both SIFT and PolyPhen2. The residue is conserved across species. For these reasons, this variant has been classified as Uncertain Significance.